The following is an entry in ClinVar:

ClinVar aggregate classification (germline): Uncertain significance (1 of 4 stars; one submission).

Conditions:
Congenital disorder of glycosylation, type Iw, autosomal dominant (CDG1WAD). Identifiers: MedGen C5562068, MONDO:0859223, OMIM 619714.

gnomAD v4.1: 1 of 1,611,564 alleles (0.000062%); highest among the groups gnomAD compares: Non-Finnish European, 0.000085%; no homozygotes.

Submission:

Institute of Human Genetics, University of Leipzig Medical Center
Classification: Uncertain significance for Congenital disorder of glycosylation, type Iw, autosomal dominant. Last evaluated: 2026-08-10. Review status: criteria provided, single submitter. Criteria: ACMG Guidelines, 2015. Collection method: clinical testing. Allele origin: unknown. Affected: yes.
Comment: Criteria applied: PM2_SUP,PP2,PP3

NM_152713.5(STT3A):c.152A>G (p.Tyr51Cys)

Gene: STT3A (STT3 oligosaccharyltransferase complex catalytic subunit A; plus strand). Cytogenetic location: 11q24.2.
Variant type: single nucleotide variant.
Coding change: c.152A>G on transcript NM_152713.5 (MANE Select); coding-DNA position 152, A replaced by G.
Protein change: p.Tyr51Cys; replaces tyrosine 51 with cysteine.
Molecular consequence: missense variant. On other transcripts: 5 prime UTR variant (1).
Genome position (GRCh38, 1-based): chr11:125,602,305, A>G. VCF-style: chr11-125602305-A-G. GRCh37 (hg19) VCF-style: chr11-125472200-A-G.
Other names: c.152A>G, p.Tyr51Cys (NM_001278503.2); c.-125A>G (NM_001278504.2); short protein forms Y51C.
Identifiers: ClinVar variation 4890730 (VCV004890730.1).